The following is an entry in ClinVar:

ClinVar aggregate classification (germline): Likely pathogenic (1 of 4 stars; one submission).

Conditions:
Alagille syndrome due to a JAG1 point mutation. Also called: Alagille Syndrome 1; JAG1-Related Alagille Syndrome; HEPATIC DUCTULAR HYPOPLASIA, SYNDROMATIC. Identifiers: Orphanet 261619, Orphanet 52, MedGen C1956125, MONDO:0016862, OMIM 118450.

Submission:

Labcorp Genetics (formerly Invitae), Labcorp
Classification: Likely pathogenic for Alagille syndrome due to a JAG1 point mutation. Last evaluated: 2023-12-15. Review status: criteria provided, single submitter. Criteria: Invitae Variant Classification Sherloc (09022015). Collection method: clinical testing. Allele origin: germline.
Comment: This sequence change affects an acceptor splice site in intron 22 of the JAG1 gene. It is expected to disrupt RNA splicing. Variants that disrupt the donor or acceptor splice site typically lead to a loss of protein function (PMID: 16199547), and loss-of-function variants in JAG1 are known to be pathogenic (PMID: 11180599). This variant is not present in population databases (gnomAD no frequency). This variant has not been reported in the literature in individuals affected with JAG1-related conditions. Algorithms developed to predict the effect of sequence changes on RNA splicing suggest that this variant may disrupt the consensus splice site. In summary, the currently available evidence indicates that the variant is pathogenic, but additional data are needed to prove that conclusively. Therefore, this variant has been classified as Likely Pathogenic.

Literature cited by the submitters: PubMed 16199547; PubMed 11180599.

NM_000214.3(JAG1):c.2683-1G>A

Gene: JAG1 (jagged canonical Notch ligand 1; minus strand). Cytogenetic location: 20p12.2.
Variant type: single nucleotide variant.
Coding change: c.2683-1G>A on transcript NM_000214.3 (MANE Select); the canonical splice acceptor site of the intron before coding-DNA position 2683, G replaced by A.
Molecular consequence: splice acceptor variant.
Genome position (GRCh38, 1-based): chr20:10,641,694, C>T on the plus strand (G>A on the coding strand, the complement: JAG1 is on the minus strand). VCF-style: chr20-10641694-C-T. GRCh37 (hg19) VCF-style: chr20-10622342-C-T.
Identifiers: ClinVar variation 2771650 (VCV002771650.3), dbSNP rs2514509368, ClinGen allele CA408245200.